The following is an entry in ClinVar:

NM_000465.4(BARD1):c.2134G>A (p.Asp712Asn)

Gene: BARD1 (BRCA1 associated RING domain 1; minus strand). Cytogenetic location: 2q35.
Variant type: single nucleotide variant.
Coding change: c.2134G>A on transcript NM_000465.4 (MANE Select); coding-DNA position 2134, G replaced by A.
Protein change: p.Asp712Asn; replaces aspartic acid 712 with asparagine.
Molecular consequence: missense variant. On other transcripts: non-coding transcript variant (3).
Genome position (GRCh38, 1-based): chr2:214,728,876, C>T on the plus strand (G>A on the coding strand, the complement: BARD1 is on the minus strand). VCF-style: chr2-214728876-C-T. GRCh37 (hg19) VCF-style: chr2-215593600-C-T.
Other names: c.2077G>A, p.Asp693Asn (NM_001282543.2); c.781G>A, p.Asp261Asn (NM_001282545.2); c.724G>A, p.Asp242Asn (NM_001282548.2); c.595G>A, p.Asp199Asn (NM_001282549.2); short protein forms D693N, D199N, D242N, D261N, D712N.
Identifiers: ClinVar variation 1786457 (VCV001786457.4), dbSNP rs1553612168, ClinGen allele CA350450529.

ClinVar aggregate classification (germline): Uncertain significance. Review status: criteria provided, multiple submitters, no conflicts (2 of 4 stars). 2 submissions from 2 submitters: Uncertain significance (2). Last evaluated 2024-02-05.

Conditions:
Hereditary cancer-predisposing syndrome. Also called: Neoplastic Syndromes, Hereditary; Tumor predisposition; Hereditary Cancer Syndrome; Hereditary neoplastic syndrome. Identifiers: Orphanet 140162, MedGen C0027672, MeSH D009386, MONDO:0015356.
Familial cancer of breast. Also called: BREAST CANCER, FAMILIAL; Hereditary breast cancer; hereditary breast carcinoma. Identifiers: Orphanet 227535, MedGen C0346153, MONDO:0016419, OMIM 114480. Disease mechanism: loss of function.

Submissions (2):

Labcorp Genetics (formerly Invitae), Labcorp
Classification: Uncertain significance for Familial cancer of breast. Last evaluated: 2024-02-05. Review status: criteria provided, single submitter. Criteria: Invitae Variant Classification Sherloc (09022015). Collection method: clinical testing. Allele origin: germline.
Comment: This sequence change replaces aspartic acid, which is acidic and polar, with asparagine, which is neutral and polar, at codon 712 of the BARD1 protein (p.Asp712Asn). This variant is not present in population databases (gnomAD no frequency). This variant has not been reported in the literature in individuals affected with BARD1-related conditions. ClinVar contains an entry for this variant (Variation ID: 1786457). An algorithm developed to predict the effect of missense changes on protein structure and function (PolyPhen-2) suggests that this variant is likely to be disruptive. In summary, the available evidence is currently insufficient to determine the role of this variant in disease. Therefore, it has been classified as a Variant of Uncertain Significance.

Ambry Genetics
Classification: Uncertain significance for Hereditary cancer-predisposing syndrome. Last evaluated: 2021-11-14. Review status: criteria provided, single submitter. Criteria: Ambry Variant Classification Scheme 2023. Collection method: clinical testing. Allele origin: germline.
Comment: The p.D712N variant (also known as c.2134G>A), located in coding exon 11 of the BARD1 gene, results from a G to A substitution at nucleotide position 2134. The aspartic acid at codon 712 is replaced by asparagine, an amino acid with highly similar properties. This amino acid position is conserved. In addition, this alteration is predicted to be tolerated by in silico analysis. Since supporting evidence is limited at this time, the clinical significance of this alteration remains unclear.